The following is an entry in ClinVar:

NM_024675.4(PALB2):c.1104T>A (p.Asn368Lys)

Gene: PALB2 (partner and localizer of BRCA2; minus strand). Cytogenetic location: 16p12.2.
Variant type: single nucleotide variant.
Coding change: c.1104T>A on transcript NM_024675.4 (MANE Select); coding-DNA position 1104, T replaced by A.
Protein change: p.Asn368Lys; replaces asparagine 368 with lysine.
Molecular consequence: missense variant.
Genome position (GRCh38, 1-based): chr16:23,635,442, A>T on the plus strand (T>A on the coding strand, the complement: PALB2 is on the minus strand). VCF-style: chr16-23635442-A-T. GRCh37 (hg19) VCF-style: chr16-23646763-A-T.
Other names: short protein forms N368K.
Identifiers: ClinVar variation 818370 (VCV000818370.14), dbSNP rs1348407391, ClinGen allele CA395133831.

ClinVar aggregate classification (germline): Uncertain significance. Review status: criteria provided, multiple submitters, no conflicts (2 of 4 stars). 3 submissions from 3 submitters: Uncertain significance (3). Last evaluated 2023-02-06.

Conditions:
Familial cancer of breast. Also called: Hereditary breast cancer; hereditary breast carcinoma; BREAST CANCER, FAMILIAL. Identifiers: Orphanet 227535, MedGen C0346153, MONDO:0016419, OMIM 114480. Disease mechanism: loss of function.
Hereditary cancer-predisposing syndrome. Also called: Hereditary Cancer Syndrome; Neoplastic Syndromes, Hereditary; Hereditary neoplastic syndrome; Tumor predisposition. Identifiers: Orphanet 140162, MedGen C0027672, MeSH D009386, MONDO:0015356.
Pancreatic cancer, susceptibility to, 3. Identifiers: Orphanet 1333, MedGen C3150547, MONDO:0013236, OMIM 613348.
Fanconi anemia complementation group N. Also called: PALB2-Related Fanconi Anemia. Identifiers: Orphanet 84, MedGen C1835817, MONDO:0012565, OMIM 610832. Disease mechanism: loss of function.

Allele frequency attached by ClinVar (database versions not stated): gnomAD 0.00001.
gnomAD v4.1: 1 of 1,613,914 alleles (0.000062%); highest among the groups gnomAD compares: African/African-American, 0.0013%; no homozygotes.

Submissions (3):

Labcorp Genetics (formerly Invitae), Labcorp
Classification: Uncertain significance for Familial cancer of breast. Last evaluated: 2023-02-06. Review status: criteria provided, single submitter. Criteria: Invitae Variant Classification Sherloc (09022015). Collection method: clinical testing. Allele origin: germline.
Comment: This sequence change replaces asparagine, which is neutral and polar, with lysine, which is basic and polar, at codon 368 of the PALB2 protein (p.Asn368Lys). The frequency data for this variant in the population databases is considered unreliable, as metrics indicate poor data quality at this position in the gnomAD database. This variant has not been reported in the literature in individuals affected with PALB2-related conditions. ClinVar contains an entry for this variant (Variation ID: 818370). Advanced modeling of protein sequence and biophysical properties (such as structural, functional, and spatial information, amino acid conservation, physicochemical variation, residue mobility, and thermodynamic stability) performed at Invitae indicates that this missense variant is not expected to disrupt PALB2 protein function. In summary, the available evidence is currently insufficient to determine the role of this variant in disease. Therefore, it has been classified as a Variant of Uncertain Significance.

Fulgent Genetics
Classification: Uncertain significance for Familial cancer of breast; Fanconi anemia complementation group N; Pancreatic cancer, susceptibility to, 3. Last evaluated: 2021-09-02. Review status: criteria provided, single submitter. Criteria: ACMG Guidelines, 2015. Collection method: clinical testing. Allele origin: unknown.

Ambry Genetics
Classification: Uncertain significance for Hereditary cancer-predisposing syndrome. Last evaluated: 2018-07-24. Review status: criteria provided, single submitter. Criteria: Ambry Variant Classification Scheme 2023. Collection method: clinical testing. Allele origin: germline.
Comment: The p.N368K variant (also known as c.1104T>A), located in coding exon 4 of the PALB2 gene, results from a T to A substitution at nucleotide position 1104. The asparagine at codon 368 is replaced by lysine, an amino acid with similar properties. This amino acid position is poorly conserved in available vertebrate species. In addition, this alteration is predicted to be tolerated by in silico analysis. Since supporting evidence is limited at this time, the clinical significance of this alteration remains unclear.